The following is an entry in ClinVar:

ClinVar aggregate classification (germline): Conflicting classifications of pathogenicity. Review status: criteria provided, conflicting classifications (1 of 4 stars). 4 submissions from 4 submitters: Uncertain significance (3); Likely benign (1). Last evaluated 2025-04-04.

Conditions:
Hereditary nonpolyposis colorectal neoplasms. Identifiers: MedGen C0009405, MeSH D003123.
Hereditary cancer-predisposing syndrome. Also called: Hereditary Cancer Syndrome; Tumor predisposition; Hereditary neoplastic syndrome; Neoplastic Syndromes, Hereditary. Identifiers: Orphanet 140162, MedGen C0027672, MeSH D009386, MONDO:0015356.

Allele frequency attached by ClinVar (database versions not stated): gnomAD exomes below 0.00001; ExAC 0.00001.
gnomAD v4.1: 2 of 1,613,966 alleles (0.00012%); highest among the groups gnomAD compares: South Asian, 0.0022%; no homozygotes.

Submissions (4):

Women's Health and Genetics/Laboratory Corporation of America, LabCorp
Classification: Uncertain significance. Last evaluated: 2025-04-04. Review status: criteria provided, single submitter. Criteria: LabCorp Variant Classification Summary - May 2015. Collection method: clinical testing. Allele origin: germline.
Comment: Variant summary: MSH6 c.3658G>A (p.Ala1220Thr) results in a non-conservative amino acid change in the encoded protein sequence. Five of five in-silico tools predict a damaging effect of the variant on protein function. The variant allele was found at a frequency of 4e-06 in 251250 control chromosomes. The available data on variant occurrences in the general population are insufficient to allow any conclusion about variant significance. c.3658G>A has been reported in the literature in control individuals (Okawa _2023). This report does not provide unequivocal conclusions about association of the variant with Lynch Syndrome. To our knowledge, no experimental evidence demonstrating an impact on protein function has been reported. The following publication has been ascertained in the context of this evaluation (PMID: 36243179). ClinVar contains an entry for this variant (Variation ID: 1043781). Based on the evidence outlined above, the variant was classified as uncertain significance.

Labcorp Genetics (formerly Invitae), Labcorp
Classification: Likely benign for Hereditary nonpolyposis colorectal neoplasms. Last evaluated: 2024-10-22. Review status: criteria provided, single submitter. Criteria: Invitae Variant Classification Sherloc (09022015). Collection method: clinical testing. Allele origin: germline.

Ambry Genetics
Classification: Uncertain significance for Hereditary cancer-predisposing syndrome. Last evaluated: 2022-03-23. Review status: criteria provided, single submitter. Criteria: Ambry Variant Classification Scheme 2023. Collection method: clinical testing. Allele origin: germline.
Comment: The p.A1220T variant (also known as c.3658G>A), located in coding exon 8 of the MSH6 gene, results from a G to A substitution at nucleotide position 3658. The alanine at codon 1220 is replaced by threonine, an amino acid with similar properties. This amino acid position is highly conserved in available vertebrate species. In addition, this alteration is predicted to be deleterious by in silico analysis. Since supporting evidence is limited at this time, the clinical significance of this alteration remains unclear.

GeneDx
Classification: Uncertain significance. Last evaluated: 2020-03-10. Review status: criteria provided, single submitter. Criteria: GeneDx Variant Classification Process June 2021. Collection method: clinical testing. Allele origin: germline. Affected: yes.
Comment: Not observed at a significant frequency in large population cohorts (Lek et al., 2016); In silico analysis supports that this missense variant does not alter protein structure/function; Has not been previously published as pathogenic or benign to our knowledge

Literature cited by the submitters: PubMed 36243179 (cited by Women's Health and Genetics/Laboratory Corporation of America, LabCorp).

NM_000179.3(MSH6):c.3658G>A (p.Ala1220Thr)

Gene: MSH6 (mutS homolog 6; plus strand). Cytogenetic location: 2p16.3.
Variant type: single nucleotide variant.
Coding change: c.3658G>A on transcript NM_000179.3 (MANE Select); coding-DNA position 3658, G replaced by A.
Protein change: p.Ala1220Thr; replaces alanine 1220 with threonine.
Molecular consequence: missense variant.
Genome position (GRCh38, 1-based): chr2:47,806,215, G>A. VCF-style: chr2-47806215-G-A. GRCh37 (hg19) VCF-style: chr2-48033354-G-A.
Other names: c.3268G>A, p.Ala1090Thr (NM_001281492.2); c.2752G>A, p.Ala918Thr (NM_001281493.2, NM_001281494.2); short protein forms A1220T, A918T, A1090T.
Identifiers: ClinVar variation 1043781 (VCV001043781.13), dbSNP rs769427505, ClinGen allele CA071802.
Genomic context (GRCh38, chr2:47,806,215, plus strand): 5'-TGTTTTAATTCCTTTGAGTTACTTCCTTATGCATATTTTACTTTAACAGGAAGAGGTACT[G>A]CAACATTTGATGGGACGGCAATAGCAAATGCAGTTGTTAAAGAACTTGCTGAGACTATAA-3'
Protein context (NP_000170.1, residues 1210-1230): VLVDELGRGT[Ala1220Thr]TFDGTAIANA